The following is an entry in ClinVar:

ClinVar aggregate classification (germline): Uncertain significance. Review status: criteria provided, multiple submitters, no conflicts (2 of 4 stars). 2 submissions from 2 submitters: Uncertain significance (2). Last evaluated 2023-09-04.

Conditions:
Arrhythmogenic cardiomyopathy with wooly hair and keratoderma. Also called: Dilated cardiomyopathy with woolly hair and keratoderma; Arrhythmogenic cardiomyopathy with woolly hair and keratoderma; PALMOPLANTAR KERATODERMA WITH LEFT VENTRICULAR CARDIOMYOPATHY AND WOOLLY HAIR; Carvajal syndrome. Identifiers: Orphanet 65282, MedGen C1854063, MONDO:0011581, OMIM 605676.
Arrhythmogenic right ventricular dysplasia 8 (ARVD8). Also called: Arrhythmogenic Right Ventricular Dysplasia/Cardiomyopathy 8; ARRHYTHMOGENIC RIGHT VENTRICULAR DYSPLASIA, FAMILIAL, 8; ARRHYTHMOGENIC RIGHT VENTRICULAR CARDIOMYOPATHY 8. Identifiers: MedGen C1843896, MONDO:0011831, OMIM 607450.

Allele frequency attached by ClinVar (database versions not stated): gnomAD exomes 0.00001.
gnomAD v4.1: 10 of 1,614,004 alleles (0.00062%); highest among the groups gnomAD compares: Non-Finnish European, 0.00085%; no homozygotes.

Submissions (2):

All of Us Research Program, National Institutes of Health
Classification: Uncertain significance for Arrhythmogenic cardiomyopathy with wooly hair and keratoderma. Last evaluated: 2023-09-04. Review status: criteria provided, single submitter. Criteria: ACMG Guidelines, 2015. Collection method: clinical testing. Allele origin: germline. Inheritance: Autosomal dominant inheritance. Observed: 2 variant alleles, 2 heterozygotes.
Comment: This missense variant replaces leucine with valine at codon 1966 of the DSP protein. Computational prediction suggests that this variant may not impact protein structure and function (internally defined REVEL score threshold <= 0.5, PMID: 27666373). To our knowledge, functional studies have not been reported for this variant. This variant has not been reported in individuals affected with DSP-related disorders in the literature. This variant has not been identified in the general population by the Genome Aggregation Database (gnomAD). The available evidence is insufficient to determine the role of this variant in disease conclusively. Therefore, this variant is classified as a Variant of Uncertain Significance.

This study involves interpretation of variants in research participants for the purpose of population health screening. Participant phenotype was not available at the time of variant classification. Additional details can be found in publication PMID: 35346344, PMCID: PMC8962531

Labcorp Genetics (formerly Invitae), Labcorp
Classification: Uncertain significance for Arrhythmogenic cardiomyopathy with wooly hair and keratoderma; Arrhythmogenic right ventricular dysplasia 8. Last evaluated: 2021-08-28. Review status: criteria provided, single submitter. Criteria: Invitae Variant Classification Sherloc (09022015). Collection method: clinical testing. Allele origin: germline.
Comment: This sequence change replaces leucine with valine at codon 1966 of the DSP protein (p.Leu1966Val). The leucine residue is highly conserved and there is a small physicochemical difference between leucine and valine. This variant is not present in population databases (ExAC no frequency). This variant has not been reported in the literature in individuals affected with DSP-related conditions. Algorithms developed to predict the effect of missense changes on protein structure and function are either unavailable or do not agree on the potential impact of this missense change (SIFT: "Deleterious"; PolyPhen-2: "Probably Damaging"; Align-GVGD: "Class C0"). Algorithms developed to predict the effect of sequence changes on RNA splicing suggest that this variant may create or strengthen a splice site. In summary, the available evidence is currently insufficient to determine the role of this variant in disease. Therefore, it has been classified as a Variant of Uncertain Significance.

NM_004415.4(DSP):c.5896C>G (p.Leu1966Val)

Gene: DSP (desmoplakin; plus strand). Cytogenetic location: 6p24.3.
Variant type: single nucleotide variant.
Coding change: c.5896C>G on transcript NM_004415.4 (MANE Select); coding-DNA position 5896, C replaced by G.
Protein change: p.Leu1966Val; replaces leucine 1966 with valine.
Molecular consequence: missense variant.
Genome position (GRCh38, 1-based): chr6:7,583,158, C>G. VCF-style: chr6-7583158-C-G. GRCh37 (hg19) VCF-style: chr6-7583391-C-G.
Other names: c.5896C>G (LRG_423t1); c.4099C>G, p.Leu1367Val (NM_001008844.3); c.4567C>G, p.Leu1523Val (NM_001319034.2); short protein forms L1966V, L1367V, L1523V.
Identifiers: ClinVar variation 465901 (VCV000465901.7), dbSNP rs1554108700, ClinGen allele CA362689650.
Genomic context (GRCh38, chr6:7,583,158, plus strand): 5'-CCATATGGGTCCCATCGAGAGACCCAGACTGAGTGTGAGTGGACCGTTGACACCTCCAAG[C>G]TGGTGTTTGATGGGCTGAGGAAGAAGGTGACAGCAATGCAGCTCTATGAGTGTCAGCTGA-3'
Protein context (NP_004406.2, residues 1956-1976): ECEWTVDTSK[Leu1966Val]VFDGLRKKVT